The following is an entry in ClinVar:

NM_000458.4(HNF1B):c.*683G>A

Gene: HNF1B (HNF1 homeobox B; minus strand). Cytogenetic location: 17q12.
Variant type: single nucleotide variant.
Coding change: c.*683G>A on transcript NM_000458.4 (MANE Select); 683 bases downstream of the stop codon, G replaced by A.
Molecular consequence: 3 prime UTR variant.
Genome position (GRCh38, 1-based): chr17:37,686,689, C>T on the plus strand (G>A on the coding strand, the complement: HNF1B is on the minus strand). VCF-style: chr17-37686689-C-T. GRCh37 (hg19) VCF-style: chr17-36046692-C-T.
Other names: c.*683G>A (NM_001165923.4); c.*591G>A (NM_001304286.2).
Identifiers: ClinVar variation 322933 (VCV000322933.6), dbSNP rs144234352, ClinGen allele CA10639526.

ClinVar aggregate classification (germline): Benign/Likely benign. Review status: criteria provided, multiple submitters, no conflicts (2 of 4 stars). 2 submissions from 2 submitters: Benign (1); Likely benign (1). Last evaluated 2018-01-12.

Conditions:
Maturity-onset diabetes of the young (MODY). Also called: Maturity onset diabetes mellitus in young. Identifiers: Orphanet 552, MedGen C0342276, MONDO:0018911, HP:0004904.
Renal cysts and diabetes syndrome (RCAD). Also called: Familial hypoplastic, glomerulocystic kidney; MATURITY-ONSET DIABETES OF THE YOUNG, TYPE 5. Identifiers: Orphanet 93111, MedGen C0431693, MONDO:0007669, OMIM 137920.

Allele frequency attached by ClinVar (database versions not stated): 1000 Genomes Project 30x 0.00125; gnomAD 0.00126 and 0.00117; gnomAD exomes 0.00028; 1000 Genomes Project 0.00120; TOPMed 0.00147.
gnomAD v4.1: 179 of 166,838 alleles (0.11%); highest among the groups gnomAD compares: African/African-American, 0.39%; no homozygotes.

Submissions (2):

Illumina Laboratory Services, Illumina
Classification: Benign for Renal cysts and diabetes syndrome. Last evaluated: 2018-01-12. Review status: criteria provided, single submitter. Criteria: ICSL Variant Classification Criteria 13 December 2019. Collection method: clinical testing. Allele origin: germline.
Comment: This variant was observed in the ICSL laboratory as part of a predisposition screen in an ostensibly healthy population. It had not been previously curated by ICSL or reported in the Human Gene Mutation Database (HGMD: prior to June 1st, 2018), and was therefore a candidate for classification through an automated scoring system. Utilizing variant allele frequency, disease prevalence and penetrance estimates, and inheritance mode, an automated score was calculated to assess if this variant is too frequent to cause the disease. Based on the score and internal cut-off values, a variant classified as benign is not then subjected to further curation. The score for this variant resulted in a classification of benign for this disease.

Clinical Genomics, Uppaluri K&H Personalized Medicine Clinic
Classification: Likely benign for Maturity-onset diabetes of the young. Review status: criteria provided, single submitter. Criteria: K & H Uppaluri Personalized Medicine Clinic Variant Classification & Assertion Criteria_Updated V.1. Collection method: research. Allele origin: unknown. Inheritance: Autosomal dominant inheritance.
Comment: HNF1B gene mutations are associated with early onset diabetes and pancreatic atrophy. It is also associated with multiple renal manifestations including renal cysts, Tubulointerstitial disease, glomerulocystic disease, renal hypoplasia, hypomagnesemia. However no sufficient evidence is found to ascertain the role of this particular variant rs144234352, yet.

Literature cited by the submitters: PubMed 24897035 (cited by Clinical Genomics, Uppaluri K&H Personalized Medicine Clinic); PubMed 25536396 (cited by Clinical Genomics, Uppaluri K&H Personalized Medicine Clinic); PubMed 27615128 (cited by Clinical Genomics, Uppaluri K&H Personalized Medicine Clinic); PubMed 28215227 (cited by Clinical Genomics, Uppaluri K&H Personalized Medicine Clinic); PubMed 33434175 (cited by Clinical Genomics, Uppaluri K&H Personalized Medicine Clinic); PubMed 25741167 (cited by Clinical Genomics, Uppaluri K&H Personalized Medicine Clinic); PubMed 26340261 (cited by Clinical Genomics, Uppaluri K&H Personalized Medicine Clinic); PubMed 19639018 (cited by Clinical Genomics, Uppaluri K&H Personalized Medicine Clinic).